The following is an entry in ClinVar:

NM_001291867.2(NHS):c.2651G>A (p.Ser884Asn)

Gene: NHS (NHS actin remodeling regulator; plus strand). Cytogenetic location: Xp22.13.
Variant type: single nucleotide variant.
Coding change: c.2651G>A on transcript NM_001291867.2 (MANE Select); coding-DNA position 2651, G replaced by A.
Protein change: p.Ser884Asn; replaces serine 884 with asparagine.
Molecular consequence: missense variant.
Genome position (GRCh38, 1-based): chrX:17,726,757, G>A. VCF-style: chrX-17726757-G-A. GRCh37 (hg19) VCF-style: chrX-17744877-G-A.
Other names: c.2120G>A, p.Ser707Asn (NM_001136024.4); c.2057G>A, p.Ser686Asn (NM_001291868.2); c.2588G>A, p.Ser863Asn (NM_198270.4); short protein forms S686N, S707N, S863N, S884N.
Identifiers: ClinVar variation 3048929 (VCV003048929.2), dbSNP rs1208239123, ClinGen allele CA412359790.

ClinVar aggregate classification (germline): Uncertain significance (0 of 4 stars; one submission).

Conditions:
NHS-related disorder. Also called: NHS-related condition.

Allele frequency attached by ClinVar (database versions not stated): gnomAD exomes below 0.00001; gnomAD 0.00001; TOPMed 0.00001.
gnomAD v4.1: 4 of 1,210,472 alleles (0.00033%); highest among the groups gnomAD compares: Non-Finnish European, 0.00045%; no homozygotes.

Submission:

PreventionGenetics, part of Exact Sciences
Classification: Uncertain significance for NHS-related condition. Last evaluated: 2023-12-27. Review status: no assertion criteria provided. Collection method: clinical testing. Allele origin: germline.
Comment: The NHS c.2588G>A variant is predicted to result in the amino acid substitution p.Ser863Asn. To our knowledge, this variant has not been reported in the literature. This variant is reported in 0.0012% of alleles in individuals of European (Non-Finnish) descent in gnomAD. At this time, the clinical significance of this variant is uncertain due to the absence of conclusive functional and genetic evidence.